The following is an entry in ClinVar:

ClinVar aggregate classification (germline): Uncertain significance (1 of 4 stars; one submission).

Conditions:
Ehlers-Danlos syndrome, classic type, 1 (EDSCL1). Also called: EHLERS-DANLOS SYNDROME, GRAVIS TYPE; EHLERS-DANLOS SYNDROME, SEVERE CLASSIC TYPE; Ehlers-Danlos syndrome, type 1; EDS I; Ehlers-Danlos Syndrome, Classic Type, COL5A1-Related. Identifiers: MedGen C0268335, MONDO:0019567, OMIM 130000.

Submission:

Labcorp Genetics (formerly Invitae), Labcorp
Classification: Uncertain significance for Ehlers-Danlos syndrome, classic type, 1. Last evaluated: 2021-08-14. Review status: criteria provided, single submitter. Criteria: Invitae Variant Classification Sherloc (09022015). Collection method: clinical testing. Allele origin: germline.
Comment: This sequence change replaces glycine with valine at codon 1276 of the COL5A1 protein (p.Gly1276Val). The glycine residue is highly conserved and there is a moderate physicochemical difference between glycine and valine. This variant is not present in population databases (ExAC no frequency). This variant has not been reported in the literature in individuals affected with COL5A1-related conditions. Advanced modeling of protein sequence and biophysical properties (such as structural, functional, and spatial information, amino acid conservation, physicochemical variation, residue mobility, and thermodynamic stability) performed at Invitae indicates that this missense variant is expected to disrupt COL5A1 protein function. This variant disrupts the triple helix domain of COL5A1. Glycine residues within the Gly-Xaa-Yaa repeats of the triple helix domain are required for the structure and stability of fibrillar collagens (PMID: 7695699, 8218237, 19344236), and variants at these glycine residues in COL5A1 are more frequently observed in individuals with disease than in the general population (PMID: 22696272, 23587214). However, the clinical significance of this observation remains uncertain since only a limited number of affected individuals have been described to date. In summary, the available evidence is currently insufficient to determine the role of this variant in disease. Therefore, it has been classified as a Variant of Uncertain Significance.

Literature cited by the submitters: PubMed 7695699; PubMed 8218237; PubMed 19344236; PubMed 22696272; PubMed 23587214.

NM_000093.5(COL5A1):c.3827G>T (p.Gly1276Val)

Gene: COL5A1 (collagen type V alpha 1 chain; plus strand). Cytogenetic location: 9q34.3.
Variant type: single nucleotide variant.
Coding change: c.3827G>T on transcript NM_000093.5 (MANE Select); coding-DNA position 3827, G replaced by T.
Protein change: p.Gly1276Val; replaces glycine 1276 with valine.
Molecular consequence: missense variant.
Genome position (GRCh38, 1-based): chr9:134,812,687, G>T. VCF-style: chr9-134812687-G-T. GRCh37 (hg19) VCF-style: chr9-137704533-G-T.
Other names: c.3827G>T, p.Gly1276Val (NM_001278074.1); short protein forms G1276V.
Identifiers: ClinVar variation 1374907 (VCV001374907.6), dbSNP rs2132848301, ClinGen allele CA375455063.